The following is an entry in ClinVar:

NM_006393.3(NEBL):c.1674A>C (p.Arg558Ser)

Gene: NEBL (nebulette; minus strand). Cytogenetic location: 10p12.31.
Variant type: single nucleotide variant.
Coding change: c.1674A>C on transcript NM_006393.3 (MANE Select); coding-DNA position 1674, A replaced by C.
Protein change: p.Arg558Ser; replaces arginine 558 with serine.
Molecular consequence: missense variant. On other transcripts: intron variant (9).
Genome position (GRCh38, 1-based): chr10:20,828,632, T>G on the plus strand (A>C on the coding strand, the complement: NEBL is on the minus strand). VCF-style: chr10-20828632-T-G. GRCh37 (hg19) VCF-style: chr10-21117561-T-G.
Other names: c.250-15692A>C (NM_001377326.1, NM_001377327.1, NM_001377328.1); c.358-15692A>C (NM_213569.2, NM_001173484.2, NM_001377322.1); c.301-15692A>C (NM_001377324.1); c.292-15692A>C (NM_001377325.1); c.310-15692A>C (NM_001377323.1); c.1674A>C (NM_006393.2); short protein forms R558S.
Identifiers: ClinVar variation 1345220 (VCV001345220.7), dbSNP rs376405982, ClinGen allele CA5432773.

ClinVar aggregate classification (germline): Uncertain significance. Review status: criteria provided, multiple submitters, no conflicts (2 of 4 stars). 2 submissions from 2 submitters: Uncertain significance (2). Last evaluated 2025-12-13.

Conditions:
Primary dilated cardiomyopathy (DCM). Also called: Dilated Cardiomyopathy. Identifiers: Orphanet 217604, MedGen C0007193, MeSH D002311, MONDO:0005021, HP:0001644. Inheritance: Various modes of inheritance.

Allele frequency attached by ClinVar (database versions not stated): ESP Exome Variant Server 0.00008; gnomAD 0.00009 and 0.00010; TOPMed 0.00014; gnomAD exomes below 0.00001 and 0.00002; ExAC 0.00002.
gnomAD v4.1: 17 of 1,547,084 alleles (0.0011%); highest among the groups gnomAD compares: African/African-American, 0.023%; no homozygotes.

Submissions (2):

Labcorp Genetics (formerly Invitae), Labcorp
Classification: Uncertain significance for Primary dilated cardiomyopathy. Last evaluated: 2025-12-13. Review status: criteria provided, single submitter. Criteria: Invitae Variant Classification Sherloc (09022015). Collection method: clinical testing. Allele origin: germline.
Comment: This sequence change replaces arginine, which is basic and polar, with serine, which is neutral and polar, at codon 558 of the NEBL protein (p.Arg558Ser). This variant is present in population databases (rs376405982, gnomAD 0.03%). This variant has not been reported in the literature in individuals affected with NEBL-related conditions. ClinVar contains an entry for this variant (Variation ID: 1345220). An algorithm developed to predict the effect of missense changes on protein structure and function (PolyPhen-2) suggests that this variant is likely to be tolerated. In summary, the available evidence is currently insufficient to determine the role of this variant in disease. Therefore, it has been classified as a Variant of Uncertain Significance.

Ambry Genetics
Classification: Uncertain significance. Last evaluated: 2025-04-12. Review status: criteria provided, single submitter. Criteria: Ambry Variant Classification Scheme 2023. Collection method: clinical testing. Allele origin: germline.